The following is an entry in ClinVar:

NM_183357.3(ADCY5):c.3748A>C (p.Met1250Leu)

Gene: ADCY5 (adenylate cyclase 5; minus strand). Cytogenetic location: 3q21.1.
Variant type: single nucleotide variant.
Coding change: c.3748A>C on transcript NM_183357.3 (MANE Select); coding-DNA position 3748, A replaced by C.
Protein change: p.Met1250Leu; replaces methionine 1250 with leucine.
Molecular consequence: missense variant.
Genome position (GRCh38, 1-based): chr3:123,284,646, T>G on the plus strand (A>C on the coding strand, the complement: ADCY5 is on the minus strand). VCF-style: chr3-123284646-T-G. GRCh37 (hg19) VCF-style: chr3-123003493-T-G.
Other names: c.2698A>C, p.Met900Leu (NM_001199642.1); c.3823A>C, p.Met1275Leu (NM_001378259.1); short protein forms M1250L, M1275L, M900L.
Identifiers: ClinVar variation 2117500 (VCV002117500.4), dbSNP rs2472591652, ClinGen allele CA354221871.

ClinVar aggregate classification (germline): Uncertain significance (1 of 4 stars; one submission).

Allele frequency attached by ClinVar (database versions not stated): gnomAD exomes below 0.00001.

Submission:

Labcorp Genetics (formerly Invitae), Labcorp
Classification: Uncertain significance. Last evaluated: 2024-10-08. Review status: criteria provided, single submitter. Criteria: Invitae Variant Classification Sherloc (09022015). Collection method: clinical testing. Allele origin: germline.
Comment: This sequence change replaces methionine, which is neutral and non-polar, with leucine, which is neutral and non-polar, at codon 1250 of the ADCY5 protein (p.Met1250Leu). This variant is not present in population databases (gnomAD no frequency). This variant has not been reported in the literature in individuals affected with ADCY5-related conditions. ClinVar contains an entry for this variant (Variation ID: 2117500). Invitae Evidence Modeling of protein sequence and biophysical properties (such as structural, functional, and spatial information, amino acid conservation, physicochemical variation, residue mobility, and thermodynamic stability) indicates that this missense variant is not expected to disrupt ADCY5 protein function with a negative predictive value of 95%. In summary, the available evidence is currently insufficient to determine the role of this variant in disease. Therefore, it has been classified as a Variant of Uncertain Significance.